The following is an entry in ClinVar:

NM_004999.4(MYO6):c.1442A>C (p.Gln481Pro)

Gene: MYO6 (myosin VI; plus strand). Cytogenetic location: 6q14.1.
Variant type: single nucleotide variant.
Coding change: c.1442A>C on transcript NM_004999.4 (MANE Select); coding-DNA position 1442, A replaced by C.
Protein change: p.Gln481Pro; replaces glutamine 481 with proline.
Molecular consequence: missense variant. On other transcripts: non-coding transcript variant (1).
Genome position (GRCh38, 1-based): chr6:75,858,962, A>C. VCF-style: chr6-75858962-A-C. GRCh37 (hg19) VCF-style: chr6-76568679-A-C.
Other names: c.1442A>C, p.Gln481Pro (NM_001300899.2, NM_001368136.1, NM_001368137.1 and 2 more transcripts); c.1427A>C, p.Gln476Pro (NM_001368138.1); short protein forms Q476P, Q481P.
Identifiers: ClinVar variation 2863257 (VCV002863257.3), dbSNP rs2535281836, ClinGen allele CA364760652.
Genomic context (GRCh38, chr6:75,858,962, plus strand): 5'-AGTACTTTGAGCATAACAGTTTTGAACAATTTTGCATCAACTATTGCAATGAAAAACTTC[A>C]ACAATTTTTTAATGAAAGGATTCTGAAGGAGGTAATTGCCATTATAAGTTTAATTTAAGA-3'
Protein context (NP_004990.3, residues 471-491): FCINYCNEKL[Gln481Pro]QFFNERILKE

ClinVar aggregate classification (germline): Uncertain significance (1 of 4 stars; one submission).

Submission:

Labcorp Genetics (formerly Invitae), Labcorp
Classification: Uncertain significance. Last evaluated: 2023-08-19. Review status: criteria provided, single submitter. Criteria: Invitae Variant Classification Sherloc (09022015). Collection method: clinical testing. Allele origin: germline.
Comment: In summary, the available evidence is currently insufficient to determine the role of this variant in disease. Therefore, it has been classified as a Variant of Uncertain Significance. Advanced modeling of protein sequence and biophysical properties (such as structural, functional, and spatial information, amino acid conservation, physicochemical variation, residue mobility, and thermodynamic stability) performed at Invitae indicates that this missense variant is expected to disrupt MYO6 protein function. This variant has not been reported in the literature in individuals affected with MYO6-related conditions. This variant is not present in population databases (gnomAD no frequency). This sequence change replaces glutamine, which is neutral and polar, with proline, which is neutral and non-polar, at codon 481 of the MYO6 protein (p.Gln481Pro).